The following is an entry in ClinVar:

ClinVar aggregate classification (germline): Benign. Review status: criteria provided, multiple submitters, no conflicts (2 of 4 stars). 16 submissions from 13 submitters: Benign (14). 2 of the submissions do not count toward it. Last evaluated 2026-02-04.

Conditions:
Osteogenesis imperfecta, perinatal lethal (OI2). Also called: OI, TYPE II; OSTEOGENESIS IMPERFECTA CONGENITA; VROLIK TYPE OF OSTEOGENESIS IMPERFECTA; OSTEOGENESIS IMPERFECTA, TYPE II; Osteogenesis imperfecta type 2; Osteogenesis imperfecta, dominant perinatal lethal. Identifiers: Orphanet 216804, MedGen C0268358, MONDO:0008147, OMIM 166210.
Osteogenesis imperfecta type III (OI3). Also called: Osteogenesis imperfecta type 3; OI type 3; Osteogenesis imperfecta, progressively deforming with normal sclerae; OI type III; Progressively Deforming Osteogenesis Imperfecta. Identifiers: Orphanet 216812, Orphanet 666, MedGen C0268362, MONDO:0009804, OMIM 259420.
Osteogenesis imperfecta type I (OI1). Also called: OI, TYPE I; OSTEOGENESIS IMPERFECTA TARDA; OSTEOGENESIS IMPERFECTA WITH BLUE SCLERAE; Osteogenesis imperfecta type 1; Lobstein disease; Classic Non-deforming Osteogenesis Imperfecta with Blue Sclerae. Identifiers: Orphanet 216796, Orphanet 666, MedGen C0023931, MONDO:0008146, OMIM 166200. Disease mechanism: loss of function.
Infantile cortical hyperostosis. Also called: Hyperostosis, Cortical, Congenital; P1PK BLOOD GROUP SYSTEM, P(2) PHENOTYPE; Caffey Disease. Identifiers: Orphanet 1310, MedGen C0020497, MONDO:0007244, OMIM 114000.
Osteoporosis. Identifiers: MedGen C0029456, MONDO:0005298, OMIM 166710, HP:0000939.
Combined osteogenesis imperfecta and Ehlers-Danlos syndrome 1. Also called: OIEDS SYNDROME 1. Identifiers: MedGen C5436842, MONDO:0030854, OMIM 619115.
Osteogenesis imperfecta with normal sclerae, dominant form (OI4). Also called: OSTEOGENESIS IMPERFECTA WITH NORMAL SCLERAE; Osteogenesis imperfecta type 4; Osteogenesis Imperfecta Type IV; OSTEOGENESIS IMPERFECTA, TYPE IV, WITH DENTINOGENESIS IMPERFECTA; Common Variable Osteogenesis Imperfecta with Normal Sclerae. Identifiers: Orphanet 216820, Orphanet 666, MedGen C0268363, MONDO:0008148, OMIM 166220.
Ehlers-Danlos syndrome, arthrochalasia type. Also called: Ehlers-Danlos syndrome, arthrochalasia type, 1; ARTHROCHALASIS MULTIPLEX CONGENITA; EDS VII, MUTANT PROCOLLAGEN TYPE; EDS VIIA; Ehlers-Danlos syndrome, arthrochalasis type. Identifiers: Orphanet 1899, Orphanet 99875, Orphanet 99876, MedGen C4551623, MONDO:0007525, OMIM 130060.
Ehlers-Danlos syndrome (EDS). Identifiers: Orphanet 98249, MedGen C0013720, MONDO:0020066.
Osteogenesis imperfecta (OI). Identifiers: Orphanet 666, MedGen C0029434, MeSH D010013, MONDO:0019019.

Allele frequency attached by ClinVar (database versions not stated): ESP Exome Variant Server 0.04867; 1000 Genomes Project 0.05471; 1000 Genomes Project 30x 0.05637.
gnomAD v4.1: 17,023 of 1,613,522 alleles (1.1%); highest among the groups gnomAD compares: African/African-American, 13%; 828 homozygotes.

Submissions 1 to 22 of 32:

Labcorp Genetics (formerly Invitae), Labcorp
Classification: Benign for Osteogenesis imperfecta type I. Last evaluated: 2026-02-04. Review status: criteria provided, single submitter. Criteria: Invitae Variant Classification Sherloc (09022015). Collection method: clinical testing. Allele origin: germline.

ARUP Laboratories, Molecular Genetics and Genomics, ARUP Laboratories
Classification: Benign. Last evaluated: 2025-07-02. Review status: criteria provided, single submitter. Criteria: ARUP Molecular Germline Variant Investigation Process 2024. Collection method: clinical testing. Allele origin: germline.

Molecular Diagnostic Laboratory for Inherited Cardiovascular Disease, Montreal Heart Institute
Classification: Benign. Last evaluated: 2025-04-09. Review status: criteria provided, single submitter. Criteria: ACMG Guidelines, 2015. Collection method: clinical testing. Allele origin: germline. Affected: no.
Comment: BA1

Athena Diagnostics
Classification: Benign. Last evaluated: 2024-11-13. Review status: criteria provided, single submitter. Criteria: Athena Diagnostics Criteria. Collection method: clinical testing. Allele origin: unknown.

Fulgent Genetics
Classification: Benign for Infantile cortical hyperostosis; Ehlers-Danlos syndrome, arthrochalasia type; Osteogenesis imperfecta type I; Osteogenesis imperfecta, perinatal lethal; Osteogenesis imperfecta with normal sclerae, dominant form; Osteoporosis; Osteogenesis imperfecta type III; Combined osteogenesis imperfecta and Ehlers-Danlos syndrome 1. Last evaluated: 2022-02-10. Review status: criteria provided, single submitter. Criteria: ACMG Guidelines, 2015. Collection method: clinical testing. Allele origin: unknown.

Genome Diagnostics Laboratory, The Hospital for Sick Children
Classification: Benign for Ehlers-Danlos syndrome. Last evaluated: 2021-04-12. Review status: criteria provided, single submitter. Criteria: ACMG Guidelines, 2015. Collection method: clinical testing. Allele origin: germline.

Mayo Clinic Laboratories, Mayo Clinic
Classification: Benign. Last evaluated: 2019-08-23. Review status: criteria provided, single submitter. Criteria: ACMG Guidelines, 2015. Collection method: clinical testing. Allele origin: germline. Observed: 60 variant alleles.

Genome Diagnostics Laboratory, The Hospital for Sick Children
Classification: Benign for Osteogenesis imperfecta. Last evaluated: 2018-07-01. Review status: criteria provided, single submitter. Criteria: ACMG Guidelines, 2015. Collection method: clinical testing. Allele origin: germline.

Illumina Laboratory Services, Illumina
Classification: Benign for Ehlers-Danlos syndrome, arthrochalasia type. Last evaluated: 2018-01-12. Review status: criteria provided, single submitter. Criteria: ICSL Variant Classification Criteria 13 December 2019. Collection method: clinical testing. Allele origin: germline.
Comment: This variant was observed in the ICSL laboratory as part of a predisposition screen in an ostensibly healthy population. It had not been previously curated by ICSL or reported in the Human Gene Mutation Database (HGMD: prior to June 1st, 2018), and was therefore a candidate for classification through an automated scoring system. Utilizing variant allele frequency, disease prevalence and penetrance estimates, and inheritance mode, an automated score was calculated to assess if this variant is too frequent to cause the disease. Based on the score and internal cut-off values, a variant classified as benign is not then subjected to further curation. The score for this variant resulted in a classification of benign for this disease.

Illumina Laboratory Services, Illumina
Classification: Benign for Osteogenesis imperfecta. Last evaluated: 2018-01-12. Review status: criteria provided, single submitter. Criteria: ICSL Variant Classification Criteria 13 December 2019. Collection method: clinical testing. Allele origin: germline.
Comment: the same text as in the submission from Illumina Laboratory Services, Illumina above.

Illumina Laboratory Services, Illumina
Classification: Benign for Infantile cortical hyperostosis. Last evaluated: 2018-01-12. Review status: criteria provided, single submitter. Criteria: ICSL Variant Classification Criteria 13 December 2019. Collection method: clinical testing. Allele origin: germline.
Comment: the same text as in the submission from Illumina Laboratory Services, Illumina above.

GeneDx
Classification: Benign. Last evaluated: 2016-06-07. Review status: criteria provided, single submitter. Criteria: GeneDx Variant Classification (06012015). Collection method: clinical testing. Allele origin: germline. Affected: yes.
Comment: This variant is considered likely benign or benign based on one or more of the following criteria: it is a conservative change, it occurs at a poorly conserved position in the protein, it is predicted to be benign by multiple in silico algorithms, and/or has population frequency not consistent with disease.

Center for Pediatric Genomic Medicine, Children's Mercy Hospital and Clinics
Classification: Benign. Last evaluated: 2015-09-28. Review status: criteria provided, single submitter. Criteria: ACMG Guidelines, 2015. Collection method: clinical testing. Allele origin: germline.

Breakthrough Genomics
Classification: Benign. Review status: criteria provided, single submitter. Criteria: ACMG Guidelines, 2015. Collection method: not provided. Allele origin: germline. Inheritance: Autosomal dominant inheritance. Affected: yes.

Dr. Peter K. Rogan Lab, Western University
No classification provided (evidence only). Condition: Clear cell carcinoma of kidney. Review status: no classification provided. Collection method: in vitro. Allele origin: not applicable. Functional consequence: retained intron. Not counted in ClinVar's aggregate classification.

Dr. Peter K. Rogan Lab, Western University
No classification provided (evidence only). Condition: Lung cancer. Review status: no classification provided. Collection method: in vitro. Allele origin: not applicable. Functional consequence: skipped exon. Not counted in ClinVar's aggregate classification.

Dr. Peter K. Rogan Lab, Western University
No classification provided (evidence only). Condition: Cervical cancer. Review status: no classification provided. Collection method: in vitro. Allele origin: not applicable. Functional consequence: retained intron. Not counted in ClinVar's aggregate classification.

Dr. Peter K. Rogan Lab, Western University
No classification provided (evidence only). Condition: Cervical cancer. Review status: no classification provided. Collection method: in vitro. Allele origin: not applicable. Functional consequence: retained intron. Not counted in ClinVar's aggregate classification.

Dr. Peter K. Rogan Lab, Western University
No classification provided (evidence only). Condition: Sarcoma. Review status: no classification provided. Collection method: in vitro. Allele origin: not applicable. Functional consequence: retained intron. Not counted in ClinVar's aggregate classification.

Dr. Peter K. Rogan Lab, Western University
No classification provided (evidence only). Condition: Sarcoma. Review status: no classification provided. Collection method: in vitro. Allele origin: not applicable. Functional consequence: skipped exon, retained intron. Not counted in ClinVar's aggregate classification.

Dr. Peter K. Rogan Lab, Western University
No classification provided (evidence only). Condition: Ovarian serous cystadenocarcinoma. Review status: no classification provided. Collection method: in vitro. Allele origin: not applicable. Functional consequence: retained intron. Not counted in ClinVar's aggregate classification.

Dr. Peter K. Rogan Lab, Western University
No classification provided (evidence only). Condition: Ovarian serous cystadenocarcinoma. Review status: no classification provided. Collection method: in vitro. Allele origin: not applicable. Functional consequence: retained intron. Not counted in ClinVar's aggregate classification.

NM_000088.4(COL1A1):c.1300-8C>G

Gene: COL1A1 (collagen type I alpha 1 chain; minus strand). Cytogenetic location: 17q21.33.
Variant type: single nucleotide variant.
Coding change: c.1300-8C>G on transcript NM_000088.4 (MANE Select); 8 bases into the intron before coding-DNA position 1300, C replaced by G.
Molecular consequence: intron variant.
Genome position (GRCh38, 1-based): chr17:50,195,108, G>C on the plus strand (C>G on the coding strand, the complement: COL1A1 is on the minus strand). VCF-style: chr17-50195108-G-C. GRCh37 (hg19) VCF-style: chr17-48272469-G-C.
Other names: p.?.
Identifiers: ClinVar variation 235542 (VCV000235542.37), dbSNP rs41317361, ClinGen allele CA8645292.